The following is an entry in ClinVar:

ClinVar aggregate classification (germline): Uncertain significance (1 of 4 stars; one submission).

Allele frequency attached by ClinVar (database versions not stated): TOPMed below 0.00001; gnomAD 0.00001; gnomAD exomes 0.00001 and 0.00002; ExAC 0.00002; ESP Exome Variant Server 0.00008.
gnomAD v4.1: 35 of 1,611,980 alleles (0.0022%); highest among the groups gnomAD compares: Non-Finnish European, 0.0025%; no homozygotes.

Submission:

Labcorp Genetics (formerly Invitae), Labcorp
Classification: Uncertain significance. Last evaluated: 2021-09-01. Review status: criteria provided, single submitter. Criteria: Invitae Variant Classification Sherloc (09022015). Collection method: clinical testing. Allele origin: germline.
Comment: This sequence change replaces serine with proline at codon 556 of the C6 protein (p.Ser556Pro). The serine residue is moderately conserved and there is a moderate physicochemical difference between serine and proline. This variant is present in population databases (rs367628052, ExAC 0.003%). This variant has not been reported in the literature in individuals affected with C6-related conditions. Algorithms developed to predict the effect of missense changes on protein structure and function are either unavailable or do not agree on the potential impact of this missense change (SIFT: "Deleterious"; PolyPhen-2: "Possibly Damaging"; Align-GVGD: "Class C0"). In summary, the available evidence is currently insufficient to determine the role of this variant in disease. Therefore, it has been classified as a Variant of Uncertain Significance.

NM_000065.5(C6):c.1666T>C (p.Ser556Pro)

Gene: C6 (complement C6; minus strand). Cytogenetic location: 5p13.1.
Variant type: single nucleotide variant.
Coding change: c.1666T>C on transcript NM_000065.5 (MANE Select); coding-DNA position 1666, T replaced by C.
Protein change: p.Ser556Pro; replaces serine 556 with proline.
Molecular consequence: missense variant.
Genome position (GRCh38, 1-based): chr5:41,160,160, A>G on the plus strand (T>C on the coding strand, the complement: C6 is on the minus strand). VCF-style: chr5-41160160-A-G. GRCh37 (hg19) VCF-style: chr5-41160262-A-G.
Other names: c.1666T>C, p.Ser556Pro (NM_001115131.4); short protein forms S556P.
Identifiers: ClinVar variation 1493377 (VCV001493377.5), dbSNP rs367628052, ClinGen allele CA3252391.